The following is an entry in ClinVar:

NM_006736.6(DNAJB2):c.888G>C (p.Leu296Phe)

Gene: DNAJB2 (DnaJ heat shock protein family (Hsp40) member B2; plus strand). Cytogenetic location: 2q35.
Variant type: single nucleotide variant.
Coding change: c.888G>C on transcript NM_006736.6 (MANE Select); coding-DNA position 888, G replaced by C.
Protein change: p.Leu296Phe; replaces leucine 296 with phenylalanine.
Molecular consequence: missense variant. On other transcripts: intron variant (1).
Genome position (GRCh38, 1-based): chr2:219,284,900, G>C. VCF-style: chr2-219284900-G-C. GRCh37 (hg19) VCF-style: chr2-220149622-G-C.
Other names: c.823+65G>C (NM_001039550.2); short protein forms L296F.
Identifiers: ClinVar variation 2651918 (VCV002651918.24), dbSNP rs186320309, ClinGen allele CA2123132.

ClinVar aggregate classification (germline): Uncertain significance (1 of 4 stars; one submission).

gnomAD v4.1: 100 of 1,602,420 alleles (0.0062%); highest among the groups gnomAD compares: African/African-American, 0.017%; no homozygotes.

Submission:

CeGaT Center for Human Genetics Tuebingen
Classification: Uncertain significance. Last evaluated: 2023-12-01. Review status: criteria provided, single submitter. Criteria: CeGaT Center For Human Genetics Tuebingen Variant Classification Criteria Version 2. Collection method: clinical testing. Allele origin: germline. Affected: yes. Observed: 2 variant alleles.
Comment: DNAJB2: PM2, BP4